The following is an entry in ClinVar:

ClinVar aggregate classification (germline): Likely benign. Review status: criteria provided, multiple submitters, no conflicts (2 of 4 stars). 2 submissions from 2 submitters: Likely benign (2). Last evaluated 2025-07-16.

Conditions:
MVK-related disorder. Also called: MVK-related disorders; MVK-related condition. Identifiers: MedGen CN239294.
Mevalonic aciduria (MEVA). Identifiers: Orphanet 29, MedGen C1959626, MONDO:0012481, OMIM 610377.
Porokeratosis 3, disseminated superficial actinic type (POROK3). Also called: POROKERATOSIS, DISSEMINATED SUPERFICIAL ACTINIC, 1; POROKERATOSIS 3, MULTIPLE TYPES; POROKERATOSIS 3, MIBELLI TYPE. Identifiers: MedGen C1867981, MONDO:0008293, OMIM 175900.
Hyperimmunoglobulin D with periodic fever (HIDS). Also called: Hyperimmunoglobulinemia D; Hyperimmunoglobulinemia D with periodic fever; HYPERIMMUNOGLOBULINEMIA D AND PERIODIC FEVER SYNDROME. Identifiers: Orphanet 343, MedGen C0398691, MONDO:0009849, OMIM 260920.

Allele frequency attached by ClinVar (database versions not stated): TOPMed 0.00001.
gnomAD v4.1: 13 of 1,614,146 alleles (0.00081%); highest among the groups gnomAD compares: Middle Eastern, 0.017%; no homozygotes.

Submissions (2):

PreventionGenetics, part of Exact Sciences
Classification: Likely benign for MVK-related condition. Last evaluated: 2025-07-16. Review status: criteria provided, single submitter. Criteria: ACMG Guidelines, 2015. Collection method: clinical testing. Allele origin: germline.
Comment: This variant is classified as likely benign based on ACMG/AMP sequence variant interpretation guidelines (Richards et al. 2015 PMID: 25741868, with internal and published modifications).

Labcorp Genetics (formerly Invitae), Labcorp
Classification: Likely benign for Mevalonic aciduria; Hyperimmunoglobulin D with periodic fever; Porokeratosis 3, disseminated superficial actinic type. Last evaluated: 2024-02-29. Review status: criteria provided, single submitter. Criteria: Invitae Variant Classification Sherloc (09022015). Collection method: clinical testing. Allele origin: germline.

NM_000431.4(MVK):c.417C>T (p.Pro139=)

Gene: MVK (mevalonate kinase; plus strand). Cytogenetic location: 12q24.11.
Variant type: single nucleotide variant.
Coding change: c.417C>T on transcript NM_000431.4 (MANE Select); coding-DNA position 417, C replaced by T.
Protein change: p.Pro139=; no amino-acid change (proline 139 retained).
Molecular consequence: synonymous variant. On other transcripts: 5 prime UTR variant (1), non-coding transcript variant (3), intron variant (2).
Genome position (GRCh38, 1-based): chr12:109,581,440, C>T. VCF-style: chr12-109581440-C-T. GRCh37 (hg19) VCF-style: chr12-110019245-C-T.
Other names: c.417C>T, p.Pro139= (NM_001114185.3, NM_001414511.1, NM_001414512.1 and 1 more transcripts); c.-166C>T (NM_001414515.1); c.371+1494C>T (NM_001414514.1, NM_001301182.2); c.417C>T (NM_000431.3).
Identifiers: ClinVar variation 1988305 (VCV001988305.5), dbSNP rs754441368, ClinGen allele CA481713638.